The following is an entry in ClinVar:

NM_006206.6(PDGFRA):c.1087A>C (p.Ile363Leu)

Gene: PDGFRA (platelet derived growth factor receptor alpha; plus strand). Cytogenetic location: 4q12.
Variant type: single nucleotide variant.
Coding change: c.1087A>C on transcript NM_006206.6 (MANE Select); coding-DNA position 1087, A replaced by C.
Protein change: p.Ile363Leu; replaces isoleucine 363 with leucine.
Molecular consequence: missense variant.
Genome position (GRCh38, 1-based): chr4:54,267,707, A>C. VCF-style: chr4-54267707-A-C. GRCh37 (hg19) VCF-style: chr4-55133874-A-C.
Other names: c.1087A>C, p.Ile363Leu (NM_001347827.2, NM_001347829.2); c.1162A>C, p.Ile388Leu (NM_001347828.2); c.1126A>C, p.Ile376Leu (NM_001347830.2); short protein forms I363L, I376L, I388L.
Identifiers: ClinVar variation 5026383 (VCV005026383.1).
Genomic context (GRCh38, chr4:54,267,707, plus strand): 5'-CCACCTCCCAGGATATCCTGGCTGAAAAACAATCTGACTCTGATTGAAAATCTCACTGAG[A>C]TCACCACTGATGTGGAAAAGATTCAGGAAATAAGGTAAAGAAACTCTCTGCCCAAGTATG-3'
Protein context (NP_006197.1, residues 353-373): NLTLIENLTE[Ile363Leu]TTDVEKIQEI

ClinVar aggregate classification (germline): Uncertain significance (1 of 4 stars; one submission).

Conditions:
Hereditary cancer-predisposing syndrome. Also called: Neoplastic Syndromes, Hereditary; Tumor predisposition; Hereditary neoplastic syndrome; Hereditary Cancer Syndrome. Identifiers: Orphanet 140162, MedGen C0027672, MeSH D009386, MONDO:0015356.

Submission:

Ambry Genetics
Classification: Uncertain significance for Hereditary cancer-predisposing syndrome. Last evaluated: 2026-07-26. Review status: criteria provided, single submitter. Criteria: Ambry Variant Classification Scheme 2023. Collection method: clinical testing. Allele origin: germline.
Comment: The p.I363L variant (also known as c.1087A>C), located in coding exon 6 of the PDGFRA gene, results from an A to C substitution at nucleotide position 1087. The isoleucine at codon 363 is replaced by leucine, an amino acid with highly similar properties. This amino acid position is conserved. In addition, the in silico prediction for this alteration is inconclusive. Based on the available evidence, the clinical significance of this variant remains unclear.